The following is an entry in ClinVar:

ClinVar aggregate classification (germline): Uncertain significance (1 of 4 stars; one submission).

gnomAD v4.1: 1 of 1,613,580 alleles (0.000062%); highest among the groups gnomAD compares: Non-Finnish European, 0.000085%; no homozygotes.

Submission:

Labcorp Genetics (formerly Invitae), Labcorp
Classification: Uncertain significance. Last evaluated: 2025-08-15. Review status: criteria provided, single submitter. Criteria: Invitae Variant Classification Sherloc (09022015). Collection method: clinical testing. Allele origin: germline.
Comment: This sequence change replaces proline, which is neutral and non-polar, with arginine, which is basic and polar, at codon 541 of the CENPJ protein (p.Pro541Arg). This variant is present in population databases (no rsID available, gnomAD 0.007%). This variant has not been reported in the literature in individuals affected with CENPJ-related conditions. Invitae Evidence Modeling of protein sequence and biophysical properties (such as structural, functional, and spatial information, amino acid conservation, physicochemical variation, residue mobility, and thermodynamic stability) indicates that this missense variant is not expected to disrupt CENPJ protein function with a negative predictive value of 80%. In summary, the available evidence is currently insufficient to determine the role of this variant in disease. Therefore, it has been classified as a Variant of Uncertain Significance.

NM_018451.5(CPAP):c.1622C>G (p.Pro541Arg)

Gene: CPAP (centrosome assembly and centriole elongation protein; minus strand). Cytogenetic location: 13q12.13.
Variant type: single nucleotide variant.
Coding change: c.1622C>G on transcript NM_018451.5 (MANE Select); coding-DNA position 1622, C replaced by G.
Protein change: p.Pro541Arg; replaces proline 541 with arginine.
Molecular consequence: missense variant. On other transcripts: non-coding transcript variant (2).
Genome position (GRCh38, 1-based): chr13:24,906,416, G>C on the plus strand (C>G on the coding strand, the complement: CPAP is on the minus strand). VCF-style: chr13-24906416-G-C. GRCh37 (hg19) VCF-style: chr13-25480554-G-C.
Other names: short protein forms P541R.
Identifiers: ClinVar variation 4772618 (VCV004772618.1).
Genomic context (GRCh38, chr13:24,906,416, plus strand): 5'-AACTTTTTCTGAAGAGAAACGTCAAGAGAAGATTCAGACTCTTTCATGGTCTCCCTTATG[G>C]GGCTCTTAGCAGCCAGCCGGCTGGCCGGCCCTGTTGAAAGAGGAAGTCTGTCTTTACCTT-3'
Protein context (NP_060921.3, residues 531-551): GPASRLAAKS[Pro541Arg]IRETMKESES